The following is an entry in ClinVar:

ClinVar aggregate classification (germline): Conflicting classifications of pathogenicity. Review status: criteria provided, conflicting classifications (1 of 4 stars). 4 submissions from 3 submitters: Uncertain significance (2); Benign (1); Likely benign (1). Last evaluated 2026-01-24.

Conditions:
Global developmental delay (DD). Also called: Cognitive delay. Identifiers: MedGen C0557874, HP:0001263. Disease mechanism: loss of function.
Hyperammonemia. Also called: Hyperammonaemia. Identifiers: MedGen C5574662, HP:0001987.
Ornithine carbamoyltransferase deficiency (OTCD). Also called: Ornithine Carbamoyltransferase Deficiency Disease; OTC DEFICIENCY; ORNITHINE TRANSCARBAMYLASE DEFICIENCY; ORNITHINE TRANSCARBAMYLASE DEFICIENCY, HYPERAMMONEMIA DUE TO. Identifiers: Orphanet 664, MedGen C0268542, MONDO:0010703, OMIM 311250.

Allele frequency attached by ClinVar (database versions not stated): gnomAD 0.00005; TOPMed 0.00005; ExAC 0.00007; gnomAD exomes 0.00007 and 0.00010; ESP Exome Variant Server 0.00009.
gnomAD v4.1: 76 of 1,207,023 alleles (0.0063%); highest among the groups gnomAD compares: Non-Finnish European, 0.0084%; no homozygotes.

Submissions (4):

Labcorp Genetics (formerly Invitae), Labcorp
Classification: Benign for Ornithine carbamoyltransferase deficiency. Last evaluated: 2026-01-24. Review status: criteria provided, single submitter. Criteria: Invitae Variant Classification Sherloc (09022015). Collection method: clinical testing. Allele origin: germline.

Blueprint Genetics
Classification: Likely benign. Last evaluated: 2024-10-30. Review status: criteria provided, single submitter. Criteria: ACMG Guidelines, 2015. Collection method: clinical testing. Allele origin: germline.

Centre for Mendelian Genomics, University Medical Centre Ljubljana
Classification: Uncertain significance for Ornithine carbamoyltransferase deficiency. Last evaluated: 2019-07-03. Review status: criteria provided, single submitter. Criteria: ACMG Guidelines, 2015. Collection method: clinical testing. Allele origin: unknown. Affected: yes.
Comment: This variant was classified as: Uncertain significance. The available evidence on this variant's pathogenicity is insufficient or conflicting. The following ACMG criteria were applied in classifying this variant: BS2.

Centre for Mendelian Genomics, University Medical Centre Ljubljana
Classification: Uncertain significance for Global developmental delay; Hyperammonemia. Last evaluated: 2017-01-01. Review status: criteria provided, single submitter. Criteria: ACMG Guidelines, 2015. Collection method: clinical testing. Allele origin: unknown. Affected: yes.

NM_000531.6(OTC):c.1005+11A>T

Gene: OTC (ornithine transcarbamylase; plus strand). Cytogenetic location: Xp11.4.
Variant type: single nucleotide variant.
Coding change: c.1005+11A>T on transcript NM_000531.6 (MANE Select); 11 bases into the intron after coding-DNA position 1005, A replaced by T.
Molecular consequence: intron variant.
Genome position (GRCh38, 1-based): chrX:38,412,010, A>T. VCF-style: chrX-38412010-A-T. GRCh37 (hg19) VCF-style: chrX-38271263-A-T.
Identifiers: ClinVar variation 523373 (VCV000523373.13), dbSNP rs375524303, ClinGen allele CA10385965.